The following is an entry in ClinVar:

ClinVar aggregate classification (germline): Pathogenic. Review status: criteria provided, multiple submitters, no conflicts (2 of 4 stars). 9 submissions from 9 submitters: Pathogenic (8). 1 of the submissions does not count toward it. Last evaluated 2026-03-19.

Conditions:
SPTB-related disorder. Also called: SPTB-Related Disorders; SPTB-related condition.
Rare anaemia.
Hereditary spherocytosis type 2. Also called: SPHEROCYTOSIS, TYPE 2, AUTOSOMAL DOMINANT. Identifiers: Orphanet 822, MedGen C2674219, MONDO:0000913, OMIM 616649.

gnomAD v4.1: 1 of 1,609,280 alleles (0.000062%); highest among the groups gnomAD compares: Non-Finnish European, 0.000085%; no homozygotes.

Submissions (9):

PreventionGenetics, part of Exact Sciences
Classification: Pathogenic for SPTB-related condition. Last evaluated: 2026-03-19. Review status: criteria provided, single submitter. Criteria: ACMG Guidelines, 2015. Collection method: clinical testing. Allele origin: germline.
Comment: The SPTB c.2863C>T variant is predicted to result in premature protein termination (p.Arg955*). This variant was reported in an individuals with spherocytosis (Wang et al. 2018. PubMed ID: 29572776; Aggarwal et al. 2019. PubMed ID: 31602632; Mansour-Hendili et al. 2020. PubMed ID: 32641076). This variant has not been reported in a large population database (gnomAD), indicating this variant is rare. Nonsense variants in SPTB are expected to be pathogenic. This variant is interpreted as pathogenic.

Labcorp Genetics (formerly Invitae), Labcorp
Classification: Pathogenic. Last evaluated: 2025-09-18. Review status: criteria provided, single submitter. Criteria: Invitae Variant Classification Sherloc (09022015). Collection method: clinical testing. Allele origin: germline.
Comment: This sequence change creates a premature translational stop signal (p.Arg955*) in the SPTB gene. It is expected to result in an absent or disrupted protein product. Loss-of-function variants in SPTB are known to be pathogenic (PMID: 1391962, 1498324, 8844207, 26830532, 27292444). This variant is not present in population databases (gnomAD no frequency). This premature translational stop signal has been observed in individual(s) with clinical features of autosomal dominant SPTB-related conditions (PMID: 29572776, 31602632, 32641076). ClinVar contains an entry for this variant (Variation ID: 544812). For these reasons, this variant has been classified as Pathogenic.

North West Genomic Laboratory Hub, Manchester University NHS Foundation Trust
Classification: Pathogenic for Rare anaemia. Last evaluated: 2025-05-09. Review status: criteria provided, single submitter. Criteria: ACGS Best Practice Guidelines for Variant Classification in Rare Disease 2024. Collection method: clinical testing. Allele origin: germline. Affected: yes.
Comment: PS4_Mod PVS1_VStr PM2_Mod PM6_Mod

Genomic Medicine Center of Excellence, King Faisal Specialist Hospital and Research Centre
Classification: Pathogenic for Hereditary spherocytosis type 2. Last evaluated: 2024-12-18. Review status: criteria provided, single submitter. Criteria: ACMG Guidelines, 2015. Collection method: clinical testing. Allele origin: germline.

Revvity Omics, Revvity
Classification: Pathogenic. Last evaluated: 2024-10-21. Review status: criteria provided, single submitter. Criteria: ACMG Guidelines, 2015. Collection method: clinical testing. Allele origin: germline.

ARUP Laboratories, Molecular Genetics and Genomics, ARUP Laboratories
Classification: Pathogenic. Last evaluated: 2024-08-16. Review status: criteria provided, single submitter. Criteria: ARUP Molecular Germline Variant Investigation Process 2024. Collection method: clinical testing. Allele origin: germline.
Comment: The SPTB c.2863C>T; p.Arg955Ter variant (rs1555369657, ClinVar Variation ID: 544812) is reported in the literature in at least six individuals affected with hereditary spherocytosis (Aggarwal 2020, Mansour-Hendili 2020, Wang 2018, Wang 2020). This variant is absent from the Genome Aggregation Database (v2.1.1), indicating it is not a common polymorphism. This variant induces an early termination codon and is predicted to result in a truncated protein or mRNA subject to nonsense-mediated decay. Based on available information, this variant is considered to be pathogenic. References: Aggarwal A et al. Deciphering molecular heterogeneity of Indian families with hereditary spherocytosis using targeted next-generation sequencing: First South Asian study. Br J Haematol. 2020 Mar. PMID: 31602632. Mansour-Hendili L et al. Exome sequencing for diagnosis of congenital hemolytic anemia. Orphanet J Rare Dis. 2020 Jul 8. PMID: 32641076. Wang R et al. Exome sequencing confirms molecular diagnoses in 38 Chinese families with hereditary spherocytosis. Sci China Life Sci. 2018 Aug. PMID: 29572776. Wang X et al. Genetic and Clinical Characteristics of Patients With Hereditary Spherocytosis in Hubei Province of China. Front Genet. 2020 PMID: 33014018.

Mayo Clinic Laboratories, Mayo Clinic
Classification: Pathogenic. Last evaluated: 2023-10-20. Review status: criteria provided, single submitter. Criteria: ACMG Guidelines, 2015. Collection method: clinical testing. Allele origin: germline. Observed: 1 variant allele.
Comment: PM2_moderate, PM6, PS4_moderate, PVS1

Department of Genetic, Henri Mondor Hospital, Assistance Publique des Hôpitaux de Paris
Classification: Pathogenic for Hereditary spherocytosis type 2. Last evaluated: 2018-02-27. Review status: criteria provided, single submitter. Criteria: ACMG Guidelines, 2015. Collection method: clinical testing. Allele origin: germline. Affected: yes.

Genomics England Pilot Project, Genomics England
Classification: Likely pathogenic for Hereditary spherocytosis type 2. Review status: no assertion criteria provided. Criteria: ACGS Guidelines, 2016. Collection method: clinical testing. Allele origin: germline. Affected: yes. Not counted in ClinVar's aggregate classification.

Literature cited by the submitters: PubMed 1391962 (cited by Labcorp Genetics (formerly Invitae), Labcorp); PubMed 1498324 (cited by Labcorp Genetics (formerly Invitae), Labcorp); PubMed 8844207 (cited by Labcorp Genetics (formerly Invitae), Labcorp); PubMed 26830532 (cited by Labcorp Genetics (formerly Invitae), Labcorp); PubMed 27292444 (cited by Labcorp Genetics (formerly Invitae), Labcorp); PubMed 29572776 (cited by Labcorp Genetics (formerly Invitae), Labcorp and Mayo Clinic Laboratories, Mayo Clinic); PubMed 31602632 (cited by Labcorp Genetics (formerly Invitae), Labcorp and Mayo Clinic Laboratories, Mayo Clinic); PubMed 32641076 (cited by Labcorp Genetics (formerly Invitae), Labcorp and Mayo Clinic Laboratories, Mayo Clinic).

NM_001355436.2(SPTB):c.2863C>T (p.Arg955Ter)

Gene: SPTB (spectrin beta, erythrocytic; minus strand). Cytogenetic location: 14q23.3.
Variant type: single nucleotide variant.
Coding change: c.2863C>T on transcript NM_001355436.2 (MANE Select); coding-DNA position 2863, C replaced by T.
Protein change: p.Arg955Ter; replaces arginine 955 with a stop codon.
Molecular consequence: nonsense.
Genome position (GRCh38, 1-based): chr14:64,787,102, G>A on the plus strand (C>T on the coding strand, the complement: SPTB is on the minus strand). VCF-style: chr14-64787102-G-A. GRCh37 (hg19) VCF-style: chr14-65253820-G-A.
Other names: p.Arg955*; c.2863C>T (NM_001024858.2); c.2863C>T, p.Arg955Ter (NM_001024858.4, NM_001355437.2); short protein forms R955*.
Identifiers: ClinVar variation 544812 (VCV000544812.16), dbSNP rs1555369657, ClinGen allele CA390047744.